The following is an entry in ClinVar:

NM_001042492.3(NF1):c.6356_6357insTA (p.Arg2119fs)

Gene: NF1 (neurofibromin 1; plus strand). Cytogenetic location: 17q11.2.
Variant type: Insertion.
Coding change: c.6356_6357insTA on transcript NM_001042492.3 (MANE Select); coding-DNA positions 6356 to 6357, TA inserted.
Protein change: p.Arg2119fs; shifts the reading frame from arginine 2119.
Molecular consequence: frameshift variant.
Genome position: GRCh38 VCF-style: chr17-31336843-G-GTA. GRCh37 (hg19) VCF-style: chr17-29663861-G-GTA.
Other names: c.6293_6294insTA, p.Arg2098Serfs (NM_000267.4); short protein forms R2119fs, R2098fs.
Identifiers: ClinVar variation 2115049 (VCV002115049.4), dbSNP rs2508749729, ClinGen allele CA2580093313.

ClinVar aggregate classification (germline): Pathogenic (1 of 4 stars; one submission).

Conditions:
Neurofibromatosis, type 1 (NF1). Also called: NEUROFIBROMATOSIS, TYPE I, SOMATIC; Neurofibromatosis, type I; Peripheral type neurofibromatosis; VON RECKLINGHAUSEN DISEASE. Identifiers: Orphanet 636, MedGen C0027831, MONDO:0018975, OMIM 162200. Disease mechanism: loss of function.

Submission:

Labcorp Genetics (formerly Invitae), Labcorp
Classification: Pathogenic for Neurofibromatosis, type 1. Last evaluated: 2024-04-22. Review status: criteria provided, single submitter. Criteria: Invitae Variant Classification Sherloc (09022015). Collection method: clinical testing. Allele origin: germline.
Comment: This sequence change creates a premature translational stop signal (p.Arg2098Serfs*32) in the NF1 gene. It is expected to result in an absent or disrupted protein product. Loss-of-function variants in NF1 are known to be pathogenic (PMID: 10712197, 23913538). This variant is not present in population databases (gnomAD no frequency). This variant has not been reported in the literature in individuals affected with NF1-related conditions. ClinVar contains an entry for this variant (Variation ID: 2115049). For these reasons, this variant has been classified as Pathogenic.

Literature cited by the submitters: PubMed 10712197; PubMed 23913538.